The following is an entry in ClinVar:

ClinVar aggregate classification (germline): Uncertain significance (1 of 4 stars; one submission).

Conditions:
Infantile spasms. Also called: Infantile spasm. Identifiers: MedGen C3887898, HP:0012469.

Allele frequency attached by ClinVar (database versions not stated): gnomAD exomes below 0.00001 and 0.00001; ExAC 0.00001.
gnomAD v4.1: 2 of 1,614,206 alleles (0.00012%); highest among the groups gnomAD compares: Non-Finnish European, 0.00017%; no homozygotes.

Submission:

Labcorp Genetics (formerly Invitae), Labcorp
Classification: Uncertain significance for Infantile spasms. Last evaluated: 2022-07-05. Review status: criteria provided, single submitter. Criteria: Invitae Variant Classification Sherloc (09022015). Collection method: clinical testing. Allele origin: germline.
Comment: Algorithms developed to predict the effect of missense changes on protein structure and function output the following: SIFT: "Tolerated"; PolyPhen-2: "Benign"; Align-GVGD: "Class C0". The lysine amino acid residue is found in multiple mammalian species, which suggests that this missense change does not adversely affect protein function. In summary, the available evidence is currently insufficient to determine the role of this variant in disease. Therefore, it has been classified as a Variant of Uncertain Significance. ClinVar contains an entry for this variant (Variation ID: 1438932). This variant has not been reported in the literature in individuals affected with PIK3AP1-related conditions. This variant is present in population databases (rs747349549, gnomAD 0.002%). This sequence change replaces arginine, which is basic and polar, with lysine, which is basic and polar, at codon 662 of the PIK3AP1 protein (p.Arg662Lys).

NM_152309.3(PIK3AP1):c.1985G>A (p.Arg662Lys)

Gene: PIK3AP1 (phosphoinositide-3-kinase adaptor protein 1; minus strand). Cytogenetic location: 10q24.1.
Variant type: single nucleotide variant.
Coding change: c.1985G>A on transcript NM_152309.3 (MANE Select); coding-DNA position 1985, G replaced by A.
Protein change: p.Arg662Lys; replaces arginine 662 with lysine.
Molecular consequence: missense variant.
Genome position (GRCh38, 1-based): chr10:96,616,668, C>T on the plus strand (G>A on the coding strand, the complement: PIK3AP1 is on the minus strand). VCF-style: chr10-96616668-C-T. GRCh37 (hg19) VCF-style: chr10-98376425-C-T.
Other names: short protein forms R662K.
Identifiers: ClinVar variation 1438932 (VCV001438932.8), dbSNP rs747349549, ClinGen allele CA5626102.